The following is an entry in ClinVar:

ClinVar aggregate classification (germline): Benign (1 of 4 stars; one submission).

Conditions:
Familial intrahepatic cholestasis. Identifiers: Orphanet 284385, MedGen CN296401, MONDO:0017290.

gnomAD v4.1: 2,305 of 751,430 alleles (0.31%); highest among the groups gnomAD compares: African/African-American, 3.4%; 34 homozygotes.

Submission:

Genomenon, Inc
Classification: Benign for Familial intrahepatic cholestasis. Last evaluated: 2026-04-14. Review status: criteria provided, single submitter. Criteria: Genomenon Sequence Variant Interpretation Standards - Updated. Collection method: curation. Allele origin: germline. Affected: no.
Comment: ABCB11 c.1198-91C>T is an intronic variant located in intron 11. This variant is present at high allele frequency in population databases. In conclusion, we classify ABCB11 c.1198-91C>T as a benign variant.

NM_003742.4(ABCB11):c.1198-91C>T

Gene: ABCB11 (ATP binding cassette subfamily B member 11; minus strand). Cytogenetic location: 2q31.1.
Variant type: single nucleotide variant.
Coding change: c.1198-91C>T on transcript NM_003742.4 (MANE Select); 91 bases into the intron before coding-DNA position 1198, C replaced by T.
Molecular consequence: intron variant.
Genome position (GRCh38, 1-based): chr2:168,976,778, G>A on the plus strand (C>T on the coding strand, the complement: ABCB11 is on the minus strand). VCF-style: chr2-168976778-G-A. GRCh37 (hg19) VCF-style: chr2-169833288-G-A.
Identifiers: ClinVar variation 4846686 (VCV004846686.1).